The following is an entry in ClinVar:

ClinVar aggregate classification (germline): Conflicting classifications of pathogenicity. Review status: criteria provided, conflicting classifications (1 of 4 stars). 5 submissions from 5 submitters: Uncertain significance (3); Likely benign (2). Last evaluated 2026-09-08.

Conditions:
Peutz-Jeghers syndrome (PJS). Also called: Peutz-Jeghers polyposis; Periorificial lentiginosis syndrome; POLYPOSIS, HAMARTOMATOUS INTESTINAL; POLYPS-AND-SPOTS SYNDROME. Identifiers: Orphanet 2869, MedGen C0031269, MeSH D010580, MONDO:0008280, OMIM 175200.
Hereditary cancer-predisposing syndrome. Also called: Neoplastic Syndromes, Hereditary; Hereditary Cancer Syndrome; Tumor predisposition; Hereditary neoplastic syndrome. Identifiers: Orphanet 140162, MedGen C0027672, MeSH D009386, MONDO:0015356.

Allele frequency attached by ClinVar (database versions not stated): gnomAD 0.00003.

Submissions (5):

Ambry Genetics
Classification: Likely benign for Hereditary cancer-predisposing syndrome. Last evaluated: 2026-09-08. Review status: criteria provided, single submitter. Criteria: Ambry Variant Classification Scheme 2023. Collection method: clinical testing. Allele origin: germline.

Labcorp Genetics (formerly Invitae), Labcorp
Classification: Likely benign for Peutz-Jeghers syndrome. Last evaluated: 2025-08-26. Review status: criteria provided, single submitter. Criteria: Invitae Variant Classification Sherloc (09022015). Collection method: clinical testing. Allele origin: germline.

Quest Diagnostics Nichols Institute San Juan Capistrano
Classification: Uncertain significance. Last evaluated: 2025-08-14. Review status: criteria provided, single submitter. Criteria: Quest Diagnostics criteria. Collection method: clinical testing. Allele origin: unknown.
Comment: The STK11 c.1168G>C (p.Val390Leu) variant has not been reported in individuals with STK11-related conditions in the published literature. The frequency of this variant in the general population (Genome Aggregation Database) is uninformative in the assessment of its pathogenicity. Analysis of this variant using bioinformatics tools for the prediction of the effect of amino acid changes on protein structure and function yielded predictions that this variant is benign. Based on the available information, we are unable to determine the clinical significance of this variant.

Genome-Nilou Lab
Classification: Uncertain significance for Peutz-Jeghers syndrome. Last evaluated: 2021-07-15. Review status: criteria provided, single submitter. Criteria: ACMG Guidelines, 2015. Collection method: clinical testing. Allele origin: germline. Affected: no.

GeneDx
Classification: Uncertain significance. Last evaluated: 2018-01-15. Review status: criteria provided, single submitter. Criteria: GeneDx Variant Classification (06012015). Collection method: clinical testing. Allele origin: germline. Affected: yes.
Comment: This variant is denoted STK11 c.1168G>C at the cDNA level, p.Val390Leu (V390L) at the protein level, and results in the change of a Valine to a Leucine (GTG>CTG). This variant has not, to our knowledge, been published in the literature as pathogenic or benign. STK11 Val390Leu was not observed at a significant allele frequency in large population cohorts (Lek 2016). This variant is located in the C-terminal domain (Hearle 2006). In-silico analysis, which includes protein predictors and evolutionary conservation, supports that this variant does not alter protein structure/function. Based on currently available evidence, it is unclear whether STK11 Val390Leu is a pathogenic or benign variant. We consider it to be a variant of uncertain significance.

NM_000455.5(STK11):c.1168G>C (p.Val390Leu)

Gene: STK11 (serine/threonine kinase 11; plus strand). Cytogenetic location: 19p13.3.
Variant type: single nucleotide variant.
Coding change: c.1168G>C on transcript NM_000455.5 (MANE Select); coding-DNA position 1168, G replaced by C.
Protein change: p.Val390Leu; replaces valine 390 with leucine.
Molecular consequence: missense variant.
Genome position (GRCh38, 1-based): chr19:1,226,513, G>C. VCF-style: chr19-1226513-G-C. GRCh37 (hg19) VCF-style: chr19-1226512-G-C.
Other names: short protein forms V390L.
Identifiers: ClinVar variation 418883 (VCV000418883.17), dbSNP rs374078532, ClinGen allele CA16620758.